The following is an entry in ClinVar:

NM_001377.3(DYNC2H1):c.9353+325C>G

Gene: DYNC2H1 (dynein cytoplasmic 2 heavy chain 1; plus strand). Cytogenetic location: 11q22.3.
Variant type: single nucleotide variant.
Coding change: c.9353+325C>G on transcript NM_001377.3 (MANE Select); 325 bases into the intron after coding-DNA position 9353, C replaced by G.
Molecular consequence: intron variant.
Genome position (GRCh38, 1-based): chr11:103,223,411, C>G. VCF-style: chr11-103223411-C-G. GRCh37 (hg19) VCF-style: chr11-103094140-C-G.
Other names: c.9353+325C>G (NM_001080463.2).
Identifiers: ClinVar variation 667747 (VCV000667747.1), dbSNP rs639087, ClinGen allele CA13469001.
Genomic context (GRCh38, chr11:103,223,411, plus strand): 5'-AAAGTTTCATAAAGGAATTTTTTTTGTTGTTGTCGTTTTTTGTTTTTTGTTTTTGAGACA[C>G]AGTTTCGCTCTTGTTGCCCAGGCTGGATTGCAGTGGTGTGATCTCGGCTCACCAAAACCT-3'

ClinVar aggregate classification (germline): Benign (1 of 4 stars; one submission).

Allele frequency attached by ClinVar (database versions not stated): 1000 Genomes Project 0.92093; 1000 Genomes Project 30x 0.92380; TOPMed 0.93038; gnomAD 0.93230 and 0.93563.
gnomAD v4.1: 141,988 of 152,266 alleles (93%); highest among the groups gnomAD compares: African/African-American, 94%; 66,233 homozygotes.

Submission:

GeneDx
Classification: Benign. Last evaluated: 2018-06-14. Review status: criteria provided, single submitter. Criteria: GeneDx Variant Classification (06012015). Collection method: clinical testing. Allele origin: germline. Affected: yes.
Comment: This variant is considered likely benign or benign based on one or more of the following criteria: it is a conservative change, it occurs at a poorly conserved position in the protein, it is predicted to be benign by multiple in silico algorithms, and/or has population frequency not consistent with disease.